The following is an entry in ClinVar:

ClinVar aggregate classification (germline): Uncertain significance (1 of 4 stars; one submission).

Submission:

Labcorp Genetics (formerly Invitae), Labcorp
Classification: Uncertain significance. Last evaluated: 2022-01-16. Review status: criteria provided, single submitter. Criteria: Invitae Variant Classification Sherloc (09022015). Collection method: clinical testing. Allele origin: germline.
Comment: This variant has not been reported in the literature in individuals affected with COL13A1-related conditions. This sequence change replaces glycine, which is neutral and non-polar, with serine, which is neutral and polar, at codon 163 of the COL13A1 protein (p.Gly163Ser). This variant is not present in population databases (gnomAD no frequency). Algorithms developed to predict the effect of missense changes on protein structure and function (SIFT, PolyPhen-2, Align-GVGD) all suggest that this variant is likely to be disruptive. In summary, the available evidence is currently insufficient to determine the role of this variant in disease. Therefore, it has been classified as a Variant of Uncertain Significance.

NM_001368882.1(COL13A1):c.514G>A (p.Gly172Ser)

Gene: COL13A1 (collagen type XIII alpha 1 chain; plus strand). Cytogenetic location: 10q22.1.
Variant type: single nucleotide variant.
Coding change: c.514G>A on transcript NM_001368882.1 (MANE Select); coding-DNA position 514, G replaced by A.
Protein change: p.Gly172Ser; replaces glycine 172 with serine.
Molecular consequence: missense variant. On other transcripts: 5 prime UTR variant (1).
Genome position (GRCh38, 1-based): chr10:69,887,456, G>A. VCF-style: chr10-69887456-G-A. GRCh37 (hg19) VCF-style: chr10-71647212-G-A.
Other names: c.424G>A, p.Gly142Ser (NM_001368895.1); c.373G>A, p.Gly125Ser (NM_001368896.1, NM_001368898.1, NM_080798.4); c.400G>A, p.Gly134Ser (NM_001368897.1, NM_080805.4); c.487G>A, p.Gly163Ser (NM_080800.4, NM_080801.4, NM_080802.4 and 1 more transcripts); c.514G>A, p.Gly172Ser (NM_001320951.2, NM_001368884.1); c.478G>A, p.Gly160Ser (NM_001368883.1, NM_001368885.1); c.-87G>A (NM_001368886.1); short protein forms G172S, G125S, G134S, G142S, G160S, G163S.
Identifiers: ClinVar variation 2085265 (VCV002085265.4), dbSNP rs2544140657, ClinGen allele CA376931759.